The following is an entry in ClinVar:

NM_020458.4(TTC7A):c.1063A>G (p.Met355Val)

Gene: TTC7A (tetratricopeptide repeat domain 7A; plus strand). Cytogenetic location: 2p21.
Variant type: single nucleotide variant.
Coding change: c.1063A>G on transcript NM_020458.4 (MANE Select); coding-DNA position 1063, A replaced by G.
Protein change: p.Met355Val; replaces methionine 355 with valine.
Molecular consequence: missense variant. On other transcripts: initiator codon variant (1).
Genome position (GRCh38, 1-based): chr2:46,995,197, A>G. VCF-style: chr2-46995197-A-G. GRCh37 (hg19) VCF-style: chr2-47222336-A-G.
Other names: c.1063A>G, p.Met355Val (LRG_1323t1, NM_001288951.2); c.961A>G, p.Met321Val (NM_001288953.2); c.1A>G, p.Met1Val (NM_001288955.2); c.1063A>G (NM_020458.2); short protein forms M321V, M355V, M1V.
Identifiers: ClinVar variation 644716 (VCV000644716.11), dbSNP rs368018528, ClinGen allele CA1647463.

ClinVar aggregate classification (germline): Uncertain significance. Review status: criteria provided, multiple submitters, no conflicts (2 of 4 stars). 2 submissions from 2 submitters: Uncertain significance (2). Last evaluated 2025-03-26.

Conditions:
Inborn genetic diseases. Identifiers: MedGen C0950123, MeSH D030342.
Multiple gastrointestinal atresias. Also called: FAMILIAL INTESTINAL POLYATRESIA SYNDROME; Multiple intestinal atresia. Identifiers: Orphanet 2300, MedGen C0220744, MONDO:0009465.

Allele frequency attached by ClinVar (database versions not stated): gnomAD 0.00001; gnomAD exomes 0.00001; ExAC 0.00002; ESP Exome Variant Server 0.00008.
gnomAD v4.1: 18 of 1,613,914 alleles (0.0011%); highest among the groups gnomAD compares: African/African-American, 0.0013%; no homozygotes.

Submissions (2):

Ambry Genetics
Classification: Uncertain significance for Inborn genetic diseases. Last evaluated: 2025-03-26. Review status: criteria provided, single submitter. Criteria: Ambry Variant Classification Scheme 2023. Collection method: clinical testing. Allele origin: germline.

Labcorp Genetics (formerly Invitae), Labcorp
Classification: Uncertain significance for Multiple gastrointestinal atresias. Last evaluated: 2021-07-19. Review status: criteria provided, single submitter. Criteria: Invitae Variant Classification Sherloc (09022015). Collection method: clinical testing. Allele origin: germline.
Comment: In summary, the available evidence is currently insufficient to determine the role of this variant in disease. Therefore, it has been classified as a Variant of Uncertain Significance. Algorithms developed to predict the effect of missense changes on protein structure and function (SIFT, PolyPhen-2, Align-GVGD) all suggest that this variant is likely to be tolerated, but these predictions have not been confirmed by published functional studies and their clinical significance is uncertain. This variant has not been reported in the literature in individuals with TTC7A-related conditions. This variant is present in population databases (rs368018528, ExAC 0.003%). This sequence change replaces methionine with valine at codon 355 of the TTC7A protein (p.Met355Val). The methionine residue is moderately conserved and there is a small physicochemical difference between methionine and valine.